The following is an entry in ClinVar:

NM_000632.4(ITGAM):c.3383A>T (p.Tyr1128Phe)

Gene: ITGAM (integrin subunit alpha M; plus strand). Cytogenetic location: 16p11.2.
Variant type: single nucleotide variant.
Coding change: c.3383A>T on transcript NM_000632.4 (MANE Select); coding-DNA position 3383, A replaced by T.
Protein change: p.Tyr1128Phe; replaces tyrosine 1128 with phenylalanine.
Molecular consequence: missense variant.
Genome position (GRCh38, 1-based): chr16:31,331,271, A>T. VCF-style: chr16-31331271-A-T. GRCh37 (hg19) VCF-style: chr16-31342592-A-T.
Other names: c.3386A>T, p.Tyr1129Phe (NM_001145808.2); short protein forms Y1129F, Y1128F.
Identifiers: ClinVar variation 2813781 (VCV002813781.3), dbSNP rs2544511064, ClinGen allele CA395706900.
Genomic context (GRCh38, chr16:31,331,271, plus strand): 5'-TCATCGTGGGCAGCTCTGTCGGGGGACTGCTGCTCCTGGCCCTCATCACCGCCGCGCTGT[A>T]CAAGGTGCTCCCCGCTGCTCCCCCACCCCCTCCCTTCATCCTCTCGGGCCTCGCGCTGCA-3'
Protein context (NP_000623.2, residues 1118-1138): LLLALITAAL[Tyr1128Phe]KLGFFKRQYK

ClinVar aggregate classification (germline): Uncertain significance (1 of 4 stars; one submission).

Submission:

Labcorp Genetics (formerly Invitae), Labcorp
Classification: Uncertain significance. Last evaluated: 2025-01-23. Review status: criteria provided, single submitter. Criteria: Invitae Variant Classification Sherloc (09022015). Collection method: clinical testing. Allele origin: germline.
Comment: This sequence change replaces tyrosine, which is neutral and polar, with phenylalanine, which is neutral and non-polar, at codon 1128 of the ITGAM protein (p.Tyr1128Phe). This variant is not present in population databases (gnomAD no frequency). This variant has not been reported in the literature in individuals affected with ITGAM-related conditions. ClinVar contains an entry for this variant (Variation ID: 2813781). An algorithm developed to predict the effect of missense changes on protein structure and function (PolyPhen-2) suggests that this variant is likely to be disruptive. In summary, the available evidence is currently insufficient to determine the role of this variant in disease. Therefore, it has been classified as a Variant of Uncertain Significance.